The following is an entry in ClinVar:

ClinVar aggregate classification (germline): Uncertain significance (1 of 4 stars; one submission).

Submission:

GeneDx
Classification: Uncertain significance. Last evaluated: 2025-07-15. Review status: criteria provided, single submitter. Criteria: GeneDx Variant Classification Process June 2021. Collection method: clinical testing. Allele origin: germline. Affected: yes.
Comment: Not observed at significant frequency in large population cohorts (gnomAD); In silico analysis supports that this missense variant has a deleterious effect on protein structure/function; Has not been previously published as pathogenic or benign to our knowledge

NM_004999.4(MYO6):c.199T>C (p.Tyr67His)

Gene: MYO6 (myosin VI; plus strand). Cytogenetic location: 6q14.1.
Variant type: single nucleotide variant.
Coding change: c.199T>C on transcript NM_004999.4 (MANE Select); coding-DNA position 199, T replaced by C.
Protein change: p.Tyr67His; replaces tyrosine 67 with histidine.
Molecular consequence: missense variant. On other transcripts: non-coding transcript variant (2).
Genome position (GRCh38, 1-based): chr6:75,828,551, T>C. VCF-style: chr6-75828551-T-C. GRCh37 (hg19) VCF-style: chr6-76538268-T-C.
Other names: c.199T>C, p.Tyr67His (NM_001300899.2, NM_001368136.1, NM_001368137.1 and 5 more transcripts); short protein forms Y67H.
Identifiers: ClinVar variation 4686264 (VCV004686264.1).